The following is an entry in ClinVar:

NM_206933.4(USH2A):c.11095G>C (p.Glu3699Gln)

Gene: USH2A (usherin; minus strand). Cytogenetic location: 1q41.
Variant type: single nucleotide variant.
Coding change: c.11095G>C on transcript NM_206933.4 (MANE Select); coding-DNA position 11095, G replaced by C.
Protein change: p.Glu3699Gln; replaces glutamic acid 3699 with glutamine.
Molecular consequence: missense variant.
Genome position (GRCh38, 1-based): chr1:215,759,796, C>G on the plus strand (G>C on the coding strand, the complement: USH2A is on the minus strand). VCF-style: chr1-215759796-C-G. GRCh37 (hg19) VCF-style: chr1-215933138-C-G.
Other names: short protein forms E3699Q.
Identifiers: ClinVar variation 1034928 (VCV001034928.6), dbSNP rs755804518, ClinGen allele CA344823136.

ClinVar aggregate classification (germline): Uncertain significance (1 of 4 stars; one submission).

Submission:

Labcorp Genetics (formerly Invitae), Labcorp
Classification: Uncertain significance. Last evaluated: 2023-08-04. Review status: criteria provided, single submitter. Criteria: Invitae Variant Classification Sherloc (09022015). Collection method: clinical testing. Allele origin: germline.
Comment: In summary, the available evidence is currently insufficient to determine the role of this variant in disease. Therefore, it has been classified as a Variant of Uncertain Significance. Advanced modeling of protein sequence and biophysical properties (such as structural, functional, and spatial information, amino acid conservation, physicochemical variation, residue mobility, and thermodynamic stability) has been performed at Invitae for this missense variant, however the output from this modeling did not meet the statistical confidence thresholds required to predict the impact of this variant on USH2A protein function. ClinVar contains an entry for this variant (Variation ID: 1034928). This variant has not been reported in the literature in individuals affected with USH2A-related conditions. This variant is not present in population databases (gnomAD no frequency). This sequence change replaces glutamic acid, which is acidic and polar, with glutamine, which is neutral and polar, at codon 3699 of the USH2A protein (p.Glu3699Gln).